The following is an entry in ClinVar:

NM_020232.5(PSMG2):c.603G>A (p.Met201Ile)

Gene: PSMG2 (proteasome assembly chaperone 2; plus strand). Cytogenetic location: 18p11.21.
Variant type: single nucleotide variant.
Coding change: c.603G>A on transcript NM_020232.5 (MANE Select); coding-DNA position 603, G replaced by A.
Protein change: p.Met201Ile; replaces methionine 201 with isoleucine.
Molecular consequence: missense variant.
Genome position (GRCh38, 1-based): chr18:12,724,520, G>A. VCF-style: chr18-12724520-G-A. GRCh37 (hg19) VCF-style: chr18-12724519-G-A.
Other names: c.510G>A, p.Met170Ile (NM_147163.2); short protein forms M170I, M201I.
Identifiers: ClinVar variation 2786949 (VCV002786949.3), dbSNP rs1236723574, ClinGen allele CA401970466.

ClinVar aggregate classification (germline): Uncertain significance (1 of 4 stars; one submission).

Allele frequency attached by ClinVar (database versions not stated): TOPMed below 0.00001; gnomAD 0.00001; gnomAD exomes 0.00001.
gnomAD v4.1: 17 of 1,605,584 alleles (0.0011%); highest among the groups gnomAD compares: East Asian, 0.0023%; no homozygotes.

Submission:

Labcorp Genetics (formerly Invitae), Labcorp
Classification: Uncertain significance. Last evaluated: 2023-03-30. Review status: criteria provided, single submitter. Criteria: Invitae Variant Classification Sherloc (09022015). Collection method: clinical testing. Allele origin: germline.
Comment: In summary, the available evidence is currently insufficient to determine the role of this variant in disease. Therefore, it has been classified as a Variant of Uncertain Significance. Algorithms developed to predict the effect of missense changes on protein structure and function output the following: SIFT: "Not Available"; PolyPhen-2: "Benign"; Align-GVGD: "Not Available". The isoleucine amino acid residue is found in multiple mammalian species, which suggests that this missense change does not adversely affect protein function. This variant has not been reported in the literature in individuals affected with PSMG2-related conditions. This variant is present in population databases (no rsID available, gnomAD 0.0009%). This sequence change replaces methionine, which is neutral and non-polar, with isoleucine, which is neutral and non-polar, at codon 201 of the PSMG2 protein (p.Met201Ile).